The following is an entry in ClinVar:

ClinVar aggregate classification (germline): Uncertain significance. Review status: criteria provided, multiple submitters, no conflicts (2 of 4 stars). 3 submissions from 3 submitters: Uncertain significance (2). 1 of the submissions does not count toward it. Last evaluated 2023-11-25.

Conditions:
Fanconi anemia (FA). Also called: Fanconi's anemia. Identifiers: Orphanet 84, MedGen C0015625, MeSH D005199, MONDO:0019391.
FANCB-related disorder. Also called: FANCB-related condition.

Allele frequency attached by ClinVar (database versions not stated): TOPMed 0.00001.
gnomAD v4.1: 5 of 1,210,706 alleles (0.00041%); highest among the groups gnomAD compares: Non-Finnish European, 0.00056%; no homozygotes.

Submissions (3):

Labcorp Genetics (formerly Invitae), Labcorp
Classification: Uncertain significance for Fanconi anemia. Last evaluated: 2023-11-25. Review status: criteria provided, single submitter. Criteria: Invitae Variant Classification Sherloc (09022015). Collection method: clinical testing. Allele origin: germline.
Comment: This sequence change replaces isoleucine, which is neutral and non-polar, with methionine, which is neutral and non-polar, at codon 777 of the FANCB protein (p.Ile777Met). This variant is not present in population databases (gnomAD no frequency). This variant has not been reported in the literature in individuals affected with FANCB-related conditions. ClinVar contains an entry for this variant (Variation ID: 1362633). Advanced modeling of protein sequence and biophysical properties (such as structural, functional, and spatial information, amino acid conservation, physicochemical variation, residue mobility, and thermodynamic stability) performed at Invitae indicates that this missense variant is not expected to disrupt FANCB protein function with a negative predictive value of 80%. In summary, the available evidence is currently insufficient to determine the role of this variant in disease. Therefore, it has been classified as a Variant of Uncertain Significance.

Blueprint Genetics
Classification: Uncertain significance. Last evaluated: 2023-08-23. Review status: criteria provided, single submitter. Criteria: ACMG Guidelines, 2015. Collection method: clinical testing. Allele origin: germline.

PreventionGenetics, part of Exact Sciences
Classification: Uncertain significance for FANCB-related condition. Last evaluated: 2023-11-21. Review status: no assertion criteria provided. Collection method: clinical testing. Allele origin: germline. Not counted in ClinVar's aggregate classification.
Comment: The FANCB c.2331A>G variant is predicted to result in the amino acid substitution p.Ile777Met. To our knowledge, this variant has not been reported in the literature or in a large population database, indicating this variant is rare. At this time, the clinical significance of this variant is uncertain due to the absence of conclusive functional and genetic evidence.

NM_001018113.3(FANCB):c.2331A>G (p.Ile777Met)

Gene: FANCB (FA complementation group B; minus strand). Cytogenetic location: Xp22.2.
Variant type: single nucleotide variant.
Coding change: c.2331A>G on transcript NM_001018113.3 (MANE Select); coding-DNA position 2331, A replaced by G.
Protein change: p.Ile777Met; replaces isoleucine 777 with methionine.
Molecular consequence: missense variant.
Genome position (GRCh38, 1-based): chrX:14,843,816, T>C on the plus strand (A>G on the coding strand, the complement: FANCB is on the minus strand). VCF-style: chrX-14843816-T-C. GRCh37 (hg19) VCF-style: chrX-14861938-T-C.
Other names: c.2331A>G (NM_001018113.2); c.2331A>G, p.Ile777Met (NM_001324162.2, NM_152633.4); short protein forms I777M.
Identifiers: ClinVar variation 1362633 (VCV001362633.11), dbSNP rs1326031344, ClinGen allele CA412437650.